The following is an entry in ClinVar:

NM_173842.3(IL1RN):c.*311G>A

Gene: IL1RN (interleukin 1 receptor antagonist; plus strand). Cytogenetic location: 2q14.1.
Variant type: single nucleotide variant.
Coding change: c.*311G>A on transcript NM_173842.3 (MANE Select); 311 bases downstream of the stop codon, G replaced by A.
Molecular consequence: 3 prime UTR variant.
Genome position (GRCh38, 1-based): chr2:113,133,182, G>A. VCF-style: chr2-113133182-G-A. GRCh37 (hg19) VCF-style: chr2-113890759-G-A.
Other names: c.*311G>A (NM_000577.5, NM_001318914.2, NM_001379360.1 and 2 more transcripts).
Identifiers: ClinVar variation 330837 (VCV000330837.5), dbSNP rs4252028, ClinGen allele CA10610618.

ClinVar aggregate classification (germline): Benign (1 of 4 stars; one submission).

Conditions:
Sterile multifocal osteomyelitis with periostitis and pustulosis. Also called: CHRONIC RECURRENT MULTIFOCAL OSTEOMYELITIS 2, WITH PERIOSTITIS AND PUSTULOSIS. Identifiers: Orphanet 210115, MedGen C2748507, MONDO:0013021, OMIM 612852.

Allele frequency attached by ClinVar (database versions not stated): gnomAD exomes 0.00177; 1000 Genomes Project 0.01258; 1000 Genomes Project 30x 0.01390; gnomAD 0.01544 and 0.01661; TOPMed 0.01730.

Submission:

Illumina Laboratory Services, Illumina
Classification: Benign for Sterile multifocal osteomyelitis with periostitis and pustulosis. Last evaluated: 2018-01-12. Review status: criteria provided, single submitter. Criteria: ICSL Variant Classification Criteria 13 December 2019. Collection method: clinical testing. Allele origin: germline.
Comment: This variant was observed in the ICSL laboratory as part of a predisposition screen in an ostensibly healthy population. It had not been previously curated by ICSL or reported in the Human Gene Mutation Database (HGMD: prior to June 1st, 2018), and was therefore a candidate for classification through an automated scoring system. Utilizing variant allele frequency, disease prevalence and penetrance estimates, and inheritance mode, an automated score was calculated to assess if this variant is too frequent to cause the disease. Based on the score and internal cut-off values, a variant classified as benign is not then subjected to further curation. The score for this variant resulted in a classification of benign for this disease.